The following is an entry in ClinVar:

NM_000097.7(CPOX):c.-56G>C

Genes: CPOX (coproporphyrinogen oxidase; minus strand), LOC129937121 (ATAC-STARR-seq lymphoblastoid silent region 14560; plus strand). Cytogenetic location: 3q11.2.
Variant type: single nucleotide variant.
Coding change: c.-56G>C on transcript NM_000097.7 (MANE Select); 56 bases upstream of the start codon, G replaced by C.
Molecular consequence: 5 prime UTR variant.
Genome position (GRCh38, 1-based): chr3:98,593,560, C>G on the plus strand (G>C on the coding strand, the complement: CPOX is on the minus strand). VCF-style: chr3-98593560-C-G. GRCh37 (hg19) VCF-style: chr3-98312404-C-G.
Other names: c.-56G>C (LRG_1077t1).
Identifiers: ClinVar variation 347001 (VCV000347001.5), dbSNP rs184287214, ClinGen allele CA10619763.

ClinVar aggregate classification (germline): Benign (1 of 4 stars; one submission).

Conditions:
Hereditary coproporphyria (HCP). Also called: Hereditary coproporphyria porphyria; Porphyria hepatica coproporphyria; Porphyria hepatica II; CPRO deficiency; COPROPORPHYRINOGEN OXIDASE DEFICIENCY; CPO DEFICIENCY. Identifiers: Orphanet 79273, MedGen C0162531, MONDO:0007369, OMIM 121300.

Allele frequency attached by ClinVar (database versions not stated): gnomAD 0.00041 and 0.00054; TOPMed 0.00068; 1000 Genomes Project 30x 0.00234; 1000 Genomes Project 0.00260.
gnomAD v4.1: 715 of 1,483,316 alleles (0.048%); highest among the groups gnomAD compares: East Asian, 1.7%; 4 homozygotes.

Submission:

Illumina Laboratory Services, Illumina
Classification: Benign for Hereditary coproporphyria. Last evaluated: 2018-01-13. Review status: criteria provided, single submitter. Criteria: ICSL Variant Classification Criteria 13 December 2019. Collection method: clinical testing. Allele origin: germline.
Comment: This variant was observed in the ICSL laboratory as part of a predisposition screen in an ostensibly healthy population. It had not been previously curated by ICSL or reported in the Human Gene Mutation Database (HGMD: prior to June 1st, 2018), and was therefore a candidate for classification through an automated scoring system. Utilizing variant allele frequency, disease prevalence and penetrance estimates, and inheritance mode, an automated score was calculated to assess if this variant is too frequent to cause the disease. Based on the score and internal cut-off values, a variant classified as benign is not then subjected to further curation. The score for this variant resulted in a classification of benign for this disease.